The following is an entry in ClinVar:

NM_002617.4(PEX10):c.752T>C (p.Leu251Pro)

Gene: PEX10 (peroxisomal biogenesis factor 10; minus strand). Cytogenetic location: 1p36.32.
Variant type: single nucleotide variant.
Coding change: c.752T>C on transcript NM_002617.4 (MANE Select); coding-DNA position 752, T replaced by C.
Protein change: p.Leu251Pro; replaces leucine 251 with proline.
Molecular consequence: missense variant. On other transcripts: non-coding transcript variant (1).
Genome position (GRCh38, 1-based): chr1:2,406,744, A>G on the plus strand (T>C on the coding strand, the complement: PEX10 is on the minus strand). VCF-style: chr1-2406744-A-G. GRCh37 (hg19) VCF-style: chr1-2338183-A-G.
Other names: c.809T>C, p.Leu270Pro (NM_001374425.1); c.377T>C, p.Leu126Pro (NM_001374426.1); c.320T>C, p.Leu107Pro (NM_001374427.1); c.812T>C, p.Leu271Pro (NM_153818.2); short protein forms L107P, L126P, L251P, L270P, L271P.
Identifiers: ClinVar variation 1163122 (VCV001163122.10), dbSNP rs780507609, ClinGen allele CA538049.

ClinVar aggregate classification (germline): Uncertain significance. Review status: criteria provided, multiple submitters, no conflicts (2 of 4 stars). 3 submissions from 3 submitters: Uncertain significance (2). 1 of the submissions does not count toward it. Last evaluated 2022-10-13.

Conditions:
PEX10-related disorder. Also called: PEX10-related condition.
Peroxisome biogenesis disorder, complementation group 7 (CG7). Also called: Peroxisome biogenesis disorder, complementation group B. Identifiers: MedGen C1864399.

Allele frequency attached by ClinVar (database versions not stated): gnomAD 0.00005 and 0.00006; TOPMed 0.00010; ExAC 0.00021; gnomAD exomes 0.00021.
gnomAD v4.1: 64 of 1,608,976 alleles (0.004%); highest among the groups gnomAD compares: Admixed American, 0.11%; no homozygotes.

Submissions (3):

Labcorp Genetics (formerly Invitae), Labcorp
Classification: Uncertain significance for Peroxisome biogenesis disorder, complementation group 7. Last evaluated: 2022-10-13. Review status: criteria provided, single submitter. Criteria: Invitae Variant Classification Sherloc (09022015). Collection method: clinical testing. Allele origin: germline.
Comment: This sequence change replaces leucine, which is neutral and non-polar, with proline, which is neutral and non-polar, at codon 271 of the PEX10 protein (p.Leu271Pro). This variant is present in population databases (rs780507609, gnomAD 0.1%). This variant has not been reported in the literature in individuals affected with PEX10-related conditions. ClinVar contains an entry for this variant (Variation ID: 1163122). Algorithms developed to predict the effect of missense changes on protein structure and function output the following: SIFT: "Deleterious"; PolyPhen-2: "Benign"; Align-GVGD: "Class C15". The proline amino acid residue is found in multiple mammalian species, which suggests that this missense change does not adversely affect protein function. In summary, the available evidence is currently insufficient to determine the role of this variant in disease. Therefore, it has been classified as a Variant of Uncertain Significance.

Mayo Clinic Laboratories, Mayo Clinic
Classification: Uncertain significance. Last evaluated: 2019-11-18. Review status: criteria provided, single submitter. Criteria: ACMG Guidelines, 2015. Collection method: clinical testing. Allele origin: germline.

PreventionGenetics, part of Exact Sciences
Classification: Likely benign for PEX10-related condition. Last evaluated: 2022-06-21. Review status: no assertion criteria provided. Collection method: clinical testing. Allele origin: germline. Not counted in ClinVar's aggregate classification.
Comment: This variant is classified as likely benign based on ACMG/AMP sequence variant interpretation guidelines (Richards et al. 2015 PMID: 25741868, with internal and published modifications).